The following is an entry in ClinVar:

NM_006904.7(PRKDC):c.2694T>A (p.Phe898Leu)

Gene: PRKDC (protein kinase, DNA-activated, catalytic subunit; minus strand). Cytogenetic location: 8q11.21.
Variant type: single nucleotide variant.
Coding change: c.2694T>A on transcript NM_006904.7 (MANE Select); coding-DNA position 2694, T replaced by A.
Protein change: p.Phe898Leu; replaces phenylalanine 898 with leucine.
Molecular consequence: missense variant.
Genome position (GRCh38, 1-based): chr8:47,913,988, A>T on the plus strand (T>A on the coding strand, the complement: PRKDC is on the minus strand). VCF-style: chr8-47913988-A-T. GRCh37 (hg19) VCF-style: chr8-48826548-A-T.
Other names: c.2694T>A, p.Phe898Leu (NM_001081640.2); short protein forms F898L.
Identifiers: ClinVar variation 2449861 (VCV002449861.2), dbSNP rs768585182, ClinGen allele CA371159333.
Genomic context (GRCh38, chr8:47,913,988, plus strand): 5'-CGCTAATTCTGTGACTCGAGGCAGGAACACATCCAGGAAAATGACAGGTTTCATCTCTCT[A>T]AAGGGCACTGCAAAGCTCAGCCGCTTCTCTCTGTCCCAGGCCACATAGCTCTTCATCATC-3'
Protein context (NP_008835.5, residues 888-908): REKRLSFAVP[Phe898Leu]REMKPVIFLD

ClinVar aggregate classification (germline): Uncertain significance (1 of 4 stars; one submission).

Submission:

Ambry Genetics
Classification: Uncertain significance. Last evaluated: 2023-01-15. Review status: criteria provided, single submitter. Criteria: Ambry Variant Classification Scheme 2023. Collection method: clinical testing. Allele origin: germline.
Comment: The p.F898L variant (also known as c.2694T>A), located in coding exon 24 of the PRKDC gene, results from a T to A substitution at nucleotide position 2694. The phenylalanine at codon 898 is replaced by leucine, an amino acid with highly similar properties. This amino acid position is conserved. In addition, this alteration is predicted to be tolerated by in silico analysis. Since supporting evidence is limited at this time, the clinical significance of this alteration remains unclear.